The following is an entry in ClinVar:

NM_020964.3(EPG5):c.3683C>T (p.Thr1228Met)

Gene: EPG5 (ectopic P-granules 5 autophagy tethering factor; minus strand). Cytogenetic location: 18q21.1.
Variant type: single nucleotide variant.
Coding change: c.3683C>T on transcript NM_020964.3 (MANE Select); coding-DNA position 3683, C replaced by T.
Protein change: p.Thr1228Met; replaces threonine 1228 with methionine.
Molecular consequence: missense variant.
Genome position (GRCh38, 1-based): chr18:45,915,521, G>A on the plus strand (C>T on the coding strand, the complement: EPG5 is on the minus strand). VCF-style: chr18-45915521-G-A. GRCh37 (hg19) VCF-style: chr18-43495486-G-A.
Other names: c.3683C>T, p.Thr1228Met (LRG_1234t1); short protein forms T1228M.
Identifiers: ClinVar variation 655588 (VCV000655588.10), dbSNP rs556565796, ClinGen allele CA8949106.

ClinVar aggregate classification (germline): Uncertain significance (1 of 4 stars; one submission).

Conditions:
Vici syndrome (VICIS). Identifiers: Orphanet 1493, MedGen C1855772, MONDO:0009452, OMIM 242840.

Allele frequency attached by ClinVar (database versions not stated): gnomAD 0.00002; TOPMed 0.00003; ExAC 0.00006; gnomAD exomes 0.00008; 1000 Genomes Project 30x 0.00016; 1000 Genomes Project 0.00020.
gnomAD v4.1: 54 of 1,612,770 alleles (0.0033%); highest among the groups gnomAD compares: Admixed American, 0.028%; no homozygotes.

Submission:

Labcorp Genetics (formerly Invitae), Labcorp
Classification: Uncertain significance for Vici syndrome. Last evaluated: 2025-03-07. Review status: criteria provided, single submitter. Criteria: Invitae Variant Classification Sherloc (09022015). Collection method: clinical testing. Allele origin: germline.
Comment: This sequence change replaces threonine, which is neutral and polar, with methionine, which is neutral and non-polar, at codon 1228 of the EPG5 protein (p.Thr1228Met). This variant is present in population databases (rs556565796, gnomAD 0.04%). This variant has not been reported in the literature in individuals affected with EPG5-related conditions. ClinVar contains an entry for this variant (Variation ID: 655588). Invitae Evidence Modeling of protein sequence and biophysical properties (such as structural, functional, and spatial information, amino acid conservation, physicochemical variation, residue mobility, and thermodynamic stability) indicates that this missense variant is not expected to disrupt EPG5 protein function with a negative predictive value of 80%. In summary, the available evidence is currently insufficient to determine the role of this variant in disease. Therefore, it has been classified as a Variant of Uncertain Significance.